The following is an entry in ClinVar:

NM_003334.4(UBA1):c.793A>G (p.Met265Val)

Gene: UBA1 (ubiquitin like modifier activating enzyme 1; plus strand). Cytogenetic location: Xp11.3.
Variant type: single nucleotide variant.
Coding change: c.793A>G on transcript NM_003334.4 (MANE Select); coding-DNA position 793, A replaced by G.
Protein change: p.Met265Val; replaces methionine 265 with valine.
Molecular consequence: missense variant.
Genome position (GRCh38, 1-based): chrX:47,201,592, A>G. VCF-style: chrX-47201592-A-G. GRCh37 (hg19) VCF-style: chrX-47060991-A-G.
Other names: c.793A>G, p.Met265Val (NM_153280.3); short protein forms M265V.
Identifiers: ClinVar variation 1025202 (VCV001025202.8), dbSNP rs1936419804, ClinGen allele CA412794067.
Genomic context (GRCh38, chrX:47,201,592, plus strand): 5'-GGGGACTTTGTCTCCTTTTCAGAAGTACAGGGCATGGTTGAACTCAACGGAAATCAGCCC[A>G]TGGAGATCAAAGTCCTGGGTGAGCTGCGACCATGGGGGAAGCAGAGGGGAACTAGAAGAT-3'
Protein context (NP_003325.2, residues 255-275): GMVELNGNQP[Met265Val]EIKVLGPYTF

ClinVar aggregate classification (germline): Uncertain significance (1 of 4 stars; one submission).

Conditions:
Infantile-onset X-linked spinal muscular atrophy. Also called: Spinal Muscular Atrophy, X-Linked Infantile; AMC, DISTAL, X-LINKED; ARTHROGRYPOSIS, X-LINKED, TYPE I; Spinal muscular atrophy, X-linked 2; SPINAL MUSCULAR ATROPHY, X-LINKED LETHAL INFANTILE. Identifiers: Orphanet 1145, MedGen C1844934, MONDO:0010532, OMIM 301830.

Submission:

Labcorp Genetics (formerly Invitae), Labcorp
Classification: Uncertain significance for Infantile-onset X-linked spinal muscular atrophy. Last evaluated: 2020-03-25. Review status: criteria provided, single submitter. Criteria: Invitae Variant Classification Sherloc (09022015). Collection method: clinical testing. Allele origin: germline.
Comment: In summary, the available evidence is currently insufficient to determine the role of this variant in disease. Therefore, it has been classified as a Variant of Uncertain Significance. Algorithms developed to predict the effect of missense changes on protein structure and function output the following: SIFT: "Tolerated"; PolyPhen-2: "Benign"; Align-GVGD: "Class C0". The valine amino acid residue is found in multiple mammalian species, suggesting that this missense change does not adversely affect protein function. These predictions have not been confirmed by published functional studies and their clinical significance is uncertain. This variant has not been reported in the literature in individuals with UBA1-related conditions. This variant is not present in population databases (ExAC no frequency). This sequence change replaces methionine with valine at codon 265 of the UBA1 protein (p.Met265Val). The methionine residue is weakly conserved and there is a small physicochemical difference between methionine and valine.